The following is an entry in ClinVar:

ClinVar aggregate classification (germline): Uncertain significance (1 of 4 stars; one submission).

Conditions:
ABCB11-related disorder. Also called: ABCB11-related condition.

gnomAD v4.1: 10 of 1,610,896 alleles (0.00062%); highest among the groups gnomAD compares: Non-Finnish European, 0.00085%; no homozygotes.

Submission:

PreventionGenetics, part of Exact Sciences
Classification: Uncertain significance for ABCB11-related condition. Last evaluated: 2026-02-17. Review status: criteria provided, single submitter. Criteria: ACMG Guidelines, 2015. Collection method: clinical testing. Allele origin: germline.
Comment: The ABCB11 c.2063A>G variant is predicted to result in the amino acid substitution p.Gln688Arg. To our knowledge, this variant has not been reported in the literature. This variant is reported in 0.0065% of alleles in individuals of European (Non-Finnish) descent in gnomAD. At this time, the clinical significance of this variant is uncertain due to the absence of conclusive functional and genetic evidence.

NM_003742.4(ABCB11):c.2063A>G (p.Gln688Arg)

Gene: ABCB11 (ATP binding cassette subfamily B member 11; minus strand). Cytogenetic location: 2q31.1.
Variant type: single nucleotide variant.
Coding change: c.2063A>G on transcript NM_003742.4 (MANE Select); coding-DNA position 2063, A replaced by G.
Protein change: p.Gln688Arg; replaces glutamine 688 with arginine.
Molecular consequence: missense variant.
Genome position (GRCh38, 1-based): chr2:168,968,439, T>C on the plus strand (A>G on the coding strand, the complement: ABCB11 is on the minus strand). VCF-style: chr2-168968439-T-C. GRCh37 (hg19) VCF-style: chr2-169824949-T-C.
Other names: short protein forms Q688R.
Identifiers: ClinVar variation 4978697 (VCV004978697.1).